The following is an entry in ClinVar:

ClinVar aggregate classification (germline): Benign. Review status: criteria provided, multiple submitters, no conflicts (2 of 4 stars). 3 submissions from 3 submitters: Benign (2). 1 of the submissions does not count toward it. Last evaluated 2021-05-28.

Conditions:
PAK3-related disorder. Also called: PAK3-related condition.

Allele frequency attached by ClinVar (database versions not stated): ExAC 0.00013; gnomAD exomes 0.00023; 1000 Genomes Project 30x 0.00083; 1000 Genomes Project 0.00106.
gnomAD v4.1: 425 of 1,195,154 alleles (0.036%); highest among the groups gnomAD compares: East Asian, 1.2%; 6 homozygotes.

Submissions (3):

Labcorp Genetics (formerly Invitae), Labcorp
Classification: Benign. Last evaluated: 2021-05-28. Review status: criteria provided, single submitter. Criteria: Invitae Variant Classification Sherloc (09022015). Collection method: clinical testing. Allele origin: germline.

Eurofins Ntd Llc (ga)
Classification: Benign. Last evaluated: 2014-03-17. Review status: criteria provided, single submitter. Criteria: EGL Classification Definitions 2015. Collection method: clinical testing. Allele origin: germline. Observed: 1 variant allele, 1 heterozygote.

PreventionGenetics, part of Exact Sciences
Classification: Likely benign for PAK3-related condition. Last evaluated: 2019-06-21. Review status: no assertion criteria provided. Collection method: clinical testing. Allele origin: germline. Not counted in ClinVar's aggregate classification.
Comment: This variant is classified as likely benign based on ACMG/AMP sequence variant interpretation guidelines (Richards et al. 2015 PMID: 25741868, with internal and published modifications).

NM_002578.5(PAK3):c.601-10G>T

Gene: PAK3 (p21 (RAC1) activated kinase 3; plus strand). Cytogenetic location: Xq23.
Variant type: single nucleotide variant.
Coding change: c.601-10G>T on transcript NM_002578.5 (MANE Select); 10 bases into the intron before coding-DNA position 601, G replaced by T.
Molecular consequence: intron variant.
Genome position (GRCh38, 1-based): chrX:111,163,552, G>T. VCF-style: chrX-111163552-G-T. GRCh37 (hg19) VCF-style: chrX-110406780-G-T.
Other names: c.601-10G>T (NM_002578.4, NM_001128166.3, NM_001324325.2 and 6 more transcripts); c.709-10G>T (NM_001128168.3); c.646-10G>T (NM_001128173.3, NM_001324329.2, NM_001324327.2 and 2 more transcripts); c.664-10G>T (NM_001128172.2).
Identifiers: ClinVar variation 167415 (VCV000167415.14), dbSNP rs185674324, ClinGen allele CA180270.
Genomic context (GRCh38, chrX:111,163,552, plus strand): 5'-TACAATACATTGACTCCACACTCTTTCCTTGGCCTGCTGTTTTAATTGCAGAGCTTTTTG[G>T]TTTTTTTAGATCTATACTCGTTCTGTGGTTGAATCCATTGCTTCACCAGCAGTACCAAAT-3'